The following is an entry in ClinVar:

NM_005530.3(IDH3A):c.586A>G (p.Thr196Ala)

Gene: IDH3A (isocitrate dehydrogenase (NAD(+)) 3 catalytic subunit alpha; plus strand). Cytogenetic location: 15q25.1.
Variant type: single nucleotide variant.
Coding change: c.586A>G on transcript NM_005530.3 (MANE Select); coding-DNA position 586, A replaced by G.
Protein change: p.Thr196Ala; replaces threonine 196 with alanine.
Molecular consequence: missense variant.
Genome position (GRCh38, 1-based): chr15:78,162,342, A>G. VCF-style: chr15-78162342-A-G. GRCh37 (hg19) VCF-style: chr15-78454684-A-G.
Other names: short protein forms T196A.
Identifiers: ClinVar variation 1463851 (VCV001463851.8), dbSNP rs747006425, ClinGen allele CA7680607.

ClinVar aggregate classification (germline): Uncertain significance (1 of 4 stars; one submission).

Allele frequency attached by ClinVar (database versions not stated): gnomAD exomes below 0.00001 and 0.00001; TOPMed below 0.00001; ExAC 0.00001; gnomAD 0.00001.

Submission:

Labcorp Genetics (formerly Invitae), Labcorp
Classification: Uncertain significance. Last evaluated: 2022-02-22. Review status: criteria provided, single submitter. Criteria: Invitae Variant Classification Sherloc (09022015). Collection method: clinical testing. Allele origin: germline.
Comment: In summary, the available evidence is currently insufficient to determine the role of this variant in disease. Therefore, it has been classified as a Variant of Uncertain Significance. Algorithms developed to predict the effect of missense changes on protein structure and function are either unavailable or do not agree on the potential impact of this missense change (SIFT: "Tolerated"; PolyPhen-2: "Probably Damaging"; Align-GVGD: "Class C0"). This variant has not been reported in the literature in individuals affected with IDH3A-related conditions. This variant is present in population databases (rs747006425, gnomAD 0.007%). This sequence change replaces threonine, which is neutral and polar, with alanine, which is neutral and non-polar, at codon 196 of the IDH3A protein (p.Thr196Ala).